The following is an entry in ClinVar:

NM_001673.5(ASNS):c.1320G>T (p.Lys440Asn)

Genes: ASNS (asparagine synthetase (glutamine-hydrolyzing); minus strand), CZ1P-ASNS (CZ1P-ASNS readthrough; minus strand). Cytogenetic location: 7q21.3.
Variant type: single nucleotide variant.
Coding change: c.1320G>T on transcript NM_001673.5 (MANE Select); coding-DNA position 1320, G replaced by T.
Protein change: p.Lys440Asn; replaces lysine 440 with asparagine.
Molecular consequence: missense variant. On other transcripts: non-coding transcript variant (1).
Genome position (GRCh38, 1-based): chr7:97,853,305, C>A on the plus strand (G>T on the coding strand, the complement: ASNS is on the minus strand). VCF-style: chr7-97853305-C-A. GRCh37 (hg19) VCF-style: chr7-97482617-C-A.
Other names: c.1257G>T, p.Lys419Asn (NM_001178075.2); c.1071G>T, p.Lys357Asn (NM_001178076.2, NM_001178077.1); c.1320G>T, p.Lys440Asn (NM_001352496.2, NM_133436.3, NM_183356.4); short protein forms K357N, K419N, K440N.
Identifiers: ClinVar variation 4847388 (VCV004847388.1).
Genomic context (GRCh38, chr7:97,853,305, plus strand): 5'-AAAAATTACAAATATAATCTGATGGCAATGGACAGTTTTACCTTGAGTTGATTTACCTAC[C>A]TTTGGAATTCTCATTTCTGGTGGCAGAGACAAGTAATAGGAAGAAAATCGATGATCTAGA-3'
Protein context (NP_001664.3, residues 430-450): LSLPPEMRIP[Lys440Asn]NGIEKHLLRE

ClinVar aggregate classification (germline): Uncertain significance (1 of 4 stars; one submission).

Submission:

Women's Health and Genetics/Laboratory Corporation of America, LabCorp
Classification: Uncertain significance. Last evaluated: 2026-03-09. Review status: criteria provided, single submitter. Criteria: LabCorp Variant Classification Summary - May 2015. Collection method: clinical testing. Allele origin: germline.
Comment: Variant summary: ASNS c.1320G>T (p.Lys440Asn) results in a non-conservative amino acid change in the encoded protein sequence. Algorithms developed to predict the effect of missense changes on protein structure and function are either unavailable or do not agree on the potential impact of this missense change. Several computational tools predict a significant impact on normal splicing: One predicts the variant abolishes a 5' splicing donor site and four predict the variant weakens a 5' donor site. However, these predictions have yet to be confirmed by functional studies. The variant was absent in 250636 control chromosomes. The available data on variant occurrences in the general population are insufficient to allow any conclusion about variant significance. To our knowledge, no occurrence of c.1320G>T in individuals affected with ASNS-related conditions and no experimental evidence demonstrating its impact on protein function have been reported. No submitters have cited clinical-significance assessments for this variant to ClinVar. Based on the evidence outlined above, the variant was classified as uncertain significance.